The following is an entry in ClinVar:

ClinVar aggregate classification (germline): Likely benign (1 of 4 stars; one submission).

Allele frequency attached by ClinVar (database versions not stated): 1000 Genomes Project 30x 0.00500; 1000 Genomes Project 0.00579; gnomAD 0.00795 and 0.00799; TOPMed 0.00803.
gnomAD v4.1: 1,221 of 152,232 alleles (0.8%); highest among the groups gnomAD compares: Middle Eastern, 1.4%; 10 homozygotes.

Submission:

GeneDx
Classification: Likely benign. Last evaluated: 2018-06-18. Review status: criteria provided, single submitter. Criteria: GeneDx Variant Classification (06012015). Collection method: clinical testing. Allele origin: germline. Affected: yes.
Comment: This variant is considered likely benign or benign based on one or more of the following criteria: it is a conservative change, it occurs at a poorly conserved position in the protein, it is predicted to be benign by multiple in silico algorithms, and/or has population frequency not consistent with disease.

NM_000038.6(APC):c.532-1149T>G

Gene: APC (APC regulator of WNT signaling pathway; plus strand). Cytogenetic location: 5q22.2.
Variant type: single nucleotide variant.
Coding change: c.532-1149T>G on transcript NM_000038.6 (MANE Select); 1149 bases into the intron before coding-DNA position 532, T replaced by G.
Molecular consequence: intron variant.
Genome position (GRCh38, 1-based): chr5:112,779,641, T>G. VCF-style: chr5-112779641-T-G. GRCh37 (hg19) VCF-style: chr5-112115338-T-G.
Other names: c.532-1149T>G (NM_001354895.2, NM_001127510.3, NM_001354896.2 and 2 more transcripts); c.562-1149T>G (NM_001354897.2, NM_001354902.2, NM_001127511.3); c.457-1149T>G (NM_001354898.2, NM_001354904.2); c.-504-1149T>G (NM_001354906.2); c.355-1149T>G (NM_001354900.2, NM_001354901.2, NM_001354905.2).
Identifiers: ClinVar variation 679375 (VCV000679375.1), dbSNP rs116428730, ClinGen allele CA124936481.
Genomic context (GRCh38, chr5:112,779,641, plus strand): 5'-CTTTATGTGGAAATACCTACTTATCAAAACATTACTGAAAACATCAGATCTAAACCACAT[T>G]ATTGCAACATACTGTGTCATGTTCAATTTTTTTTTTTTGCAGAGAGGGTTTGGGAAGTGG-3'